The following is an entry in ClinVar:

ClinVar aggregate classification (germline): Uncertain significance (1 of 4 stars; one submission).

Conditions:
Glycogen storage disease, type V (GSD5). Also called: PYGM DEFICIENCY; McArdle type glycogen storage disease; MCARDLE DISEASE; MUSCLE GLYCOGEN PHOSPHORYLASE DEFICIENCY; MYOPHOSPHORYLASE DEFICIENCY. Identifiers: Orphanet 368, MedGen C0017924, MONDO:0009293, OMIM 232600.

Submission:

Myriad Genetics, Inc.
Classification: Uncertain significance for Glycogen storage disease, type V. Last evaluated: 2026-04-03. Review status: criteria provided, single submitter. Criteria: Myriad Autosomal Dominant, Autosomal Recessive and X-Linked Classification Criteria (2023). Collection method: clinical testing. Allele origin: unknown.
Comment: NM_005609.2(PYGM):c.219_220delGCinsCT(Q73_H74delinsHY) is a missense variant classified as a variant of uncertain significance in the context of glycogen storage disease, PYGM-related. Q73_H74delinsHY has not been observed in cases with relevant disease. Relevant functional assessments of this variant are not available in the literature. Q73_H74delinsHY has not been observed in referenced population frequency databases. In summary, there is insufficient evidence to classify NM_005609.2(PYGM):c.219_220delGCinsCT(Q73_H74delinsHY) as pathogenic or benign. Please note: this variant was assessed in the context of healthy population screening.

NM_005609.4(PYGM):c.219_220delinsCT (p.Gln73_His74delinsHisTyr)

Gene: PYGM (glycogen phosphorylase, muscle associated; minus strand). Cytogenetic location: 11q13.1.
Variant type: Indel.
Coding change: c.219_220delinsCT on transcript NM_005609.4 (MANE Select); coding-DNA positions 219 to 220, GC replaced by CT.
Protein change: p.Gln73_His74delinsHisTyr.
Molecular consequence: missense variant.
Genome position (GRCh38, 1-based): chr11:64,759,679-64,759,680, GC replaced by AG on the plus strand (GC replaced by CT on the coding strand, the reverse complement: PYGM is on the minus strand). VCF-style: chr11-64759679-GC-AG. GRCh37 (hg19) VCF-style: chr11-64527151-GC-AG.
Other names: c.219_220delinsCT, p.Gln73_His74delinsHisTyr (NM_001164716.1).
Identifiers: ClinVar variation 5003418 (VCV005003418.1).